The following is an entry in ClinVar:

NM_000465.4(BARD1):c.1202G>A (p.Ser401Asn)

Gene: BARD1 (BRCA1 associated RING domain 1; minus strand). Cytogenetic location: 2q35.
Variant type: single nucleotide variant.
Coding change: c.1202G>A on transcript NM_000465.4 (MANE Select); coding-DNA position 1202, G replaced by A.
Protein change: p.Ser401Asn; replaces serine 401 with asparagine.
Molecular consequence: missense variant. On other transcripts: non-coding transcript variant (2), intron variant (3).
Genome position (GRCh38, 1-based): chr2:214,780,672, C>T on the plus strand (G>A on the coding strand, the complement: BARD1 is on the minus strand). VCF-style: chr2-214780672-C-T. GRCh37 (hg19) VCF-style: chr2-215645396-C-T.
Other names: c.1145G>A, p.Ser382Asn (NM_001282543.2); c.159-28117G>A (NM_001282548.2); c.215+16389G>A (NM_001282545.2); c.364+11625G>A (NM_001282549.2); short protein forms S382N, S401N.
Identifiers: ClinVar variation 2771990 (VCV002771990.3), dbSNP rs2106108128, ClinGen allele CA350453750.
Genomic context (GRCh38, chr2:214,780,672, plus strand): 5'-GCCATATTGGGCAACAGCTTCATTGCTGAGGGACTAGACATCACTCGCCTGTAACTTGAA[C>T]TACTTAATGTAGAAGGTGGTGTACCTGGTGAAAGACTAATGAATTCATCGGACATGTTAC-3'
Protein context (NP_000456.2, residues 391-411): SPGTPPSTLS[Ser401Asn]SSYRRVMSSP

ClinVar aggregate classification (germline): Uncertain significance (1 of 4 stars; one submission).

Conditions:
Familial cancer of breast. Also called: hereditary breast carcinoma; BREAST CANCER, FAMILIAL; Hereditary breast cancer. Identifiers: Orphanet 227535, MedGen C0346153, MONDO:0016419, OMIM 114480. Disease mechanism: loss of function.

Submission:

Labcorp Genetics (formerly Invitae), Labcorp
Classification: Uncertain significance for Familial cancer of breast. Last evaluated: 2023-10-27. Review status: criteria provided, single submitter. Criteria: Invitae Variant Classification Sherloc (09022015). Collection method: clinical testing. Allele origin: germline.
Comment: This sequence change replaces serine, which is neutral and polar, with asparagine, which is neutral and polar, at codon 401 of the BARD1 protein (p.Ser401Asn). This variant is not present in population databases (gnomAD no frequency). This variant has not been reported in the literature in individuals affected with BARD1-related conditions. Algorithms developed to predict the effect of missense changes on protein structure and function output the following: SIFT: "Not Available"; PolyPhen-2: "Benign"; Align-GVGD: "Not Available". The asparagine amino acid residue is found in multiple mammalian species, which suggests that this missense change does not adversely affect protein function. In summary, the available evidence is currently insufficient to determine the role of this variant in disease. Therefore, it has been classified as a Variant of Uncertain Significance.